The following is an entry in ClinVar:

ClinVar aggregate classification (germline): Uncertain significance (1 of 4 stars; one submission).

Submission:

Dasa
Classification: Uncertain significance. Last evaluated: 2026-07-25. Review status: criteria provided, single submitter. Criteria: DASA Assertion Criteria. Collection method: clinical testing. Allele origin: germline.
Comment: NM_001267550.2(TTN):c.59852T>C (p.Val19951Ala) is a missense variant that results in the substitution of valine with alanine. This variant is rare in population databases. Computational prediction algorithms are consistent with a deleterious effect. The currently available literature and clinical evidence are not sufficient to establish a definitive association between this variant and the reported condition. Therefore, this variant is classified as a variant of uncertain significance.

NM_001267550.2(TTN):c.59852T>C (p.Val19951Ala)

Genes: TTN (titin; minus strand), TTN-AS1 (TTN antisense RNA 1; plus strand), LOC126806424 (CDK7 strongly-dependent group 2 enhancer GRCh37_chr2:179456337-179457536; plus strand). Cytogenetic location: 2q31.2.
Variant type: single nucleotide variant.
Coding change: c.59852T>C on transcript NM_001267550.2 (MANE Select); coding-DNA position 59852, T replaced by C.
Protein change: p.Val19951Ala; replaces valine 19951 with alanine.
Molecular consequence: missense variant.
Genome position (GRCh38, 1-based): chr2:178,592,052, A>G on the plus strand (T>C on the coding strand, the complement: TTN is on the minus strand). VCF-style: chr2-178592052-A-G. GRCh37 (hg19) VCF-style: chr2-179456779-A-G.
Other names: c.54929T>C, p.Val18310Ala (NM_001256850.1); c.32657T>C, p.Val10886Ala (NM_003319.4); c.52148T>C, p.Val17383Ala (NM_133378.4); c.33032T>C, p.Val11011Ala (NM_133432.3); c.33233T>C, p.Val11078Ala (NM_133437.4); short protein forms V10886A, V11011A, V11078A, V17383A, V18310A, V19951A.
Identifiers: ClinVar variation 5020129 (VCV005020129.1).